The following is an entry in ClinVar:

ClinVar aggregate classification (germline): Uncertain significance (1 of 4 stars; one submission).

Conditions:
Psoriasis 2. Identifiers: MedGen C1864497, MONDO:0011269, OMIM 602723.
Pityriasis rubra pilaris (PRP). Also called: Pityriasis rubra pilaris--familial type. Identifiers: Orphanet 2897, MedGen C0032027, MONDO:0100017, OMIM 173200, MONDO:0008251.

gnomAD v4.1: 5 of 1,534,236 alleles (0.00033%); highest among the groups gnomAD compares: Admixed American, 0.0079%; no homozygotes.

Submission:

Labcorp Genetics (formerly Invitae), Labcorp
Classification: Uncertain significance for Pityriasis rubra pilaris; Psoriasis 2. Last evaluated: 2025-09-16. Review status: criteria provided, single submitter. Criteria: Invitae Variant Classification Sherloc (09022015). Collection method: clinical testing. Allele origin: germline.
Comment: This sequence change replaces arginine, which is basic and polar, with leucine, which is neutral and non-polar, at codon 220 of the CARD14 protein (p.Arg220Leu). The frequency data for this variant in the population databases is considered unreliable, as metrics indicate poor data quality at this position in the gnomAD database. This variant has not been reported in the literature in individuals affected with CARD14-related conditions. ClinVar contains an entry for this variant (Variation ID: 1424104). Invitae Evidence Modeling of protein sequence and biophysical properties (such as structural, functional, and spatial information, amino acid conservation, physicochemical variation, residue mobility, and thermodynamic stability) has been performed for this missense variant. However, the output from this modeling did not meet the statistical confidence thresholds required to predict the impact of this variant on CARD14 protein function. In summary, the available evidence is currently insufficient to determine the role of this variant in disease. Therefore, it has been classified as a Variant of Uncertain Significance.

NM_001366385.1(CARD14):c.659G>T (p.Arg220Leu)

Gene: CARD14 (caspase recruitment domain family member 14; plus strand). Cytogenetic location: 17q25.3.
Variant type: single nucleotide variant.
Coding change: c.659G>T on transcript NM_001366385.1 (MANE Select); coding-DNA position 659, G replaced by T.
Protein change: p.Arg220Leu; replaces arginine 220 with leucine.
Molecular consequence: missense variant. On other transcripts: non-coding transcript variant (1).
Genome position (GRCh38, 1-based): chr17:80,184,222, G>T. VCF-style: chr17-80184222-G-T. GRCh37 (hg19) VCF-style: chr17-78158021-G-T.
Other names: c.659G>T, p.Arg220Leu (NM_001257970.1, NM_024110.4); short protein forms R220L.
Identifiers: ClinVar variation 1424104 (VCV001424104.8), dbSNP rs888223090, ClinGen allele CA401338117.